The following is an entry in ClinVar:

ClinVar aggregate classification (germline): Likely benign. Review status: criteria provided, multiple submitters, no conflicts (2 of 4 stars). 3 submissions from 3 submitters: Likely benign (2). 1 of the submissions does not count toward it. Last evaluated 2025-12-19.

Conditions:
Metachromatic leukodystrophy (MLD). Also called: METACHROMATIC LEUKOENCEPHALOPATHY; SULFATIDE LIPIDOSIS; ARSA DEFICIENCY; CEREBROSIDE SULFATASE DEFICIENCY; Cerebral sclerosis diffuse metachromatic form; Arylsulfatase A Deficiency. Identifiers: Orphanet 512, MedGen C0023522, MONDO:0018868, OMIM 250100.
ARSA-related disorder. Also called: ARSA-related condition.

Allele frequency attached by ClinVar (database versions not stated): TOPMed below 0.00001; ExAC 0.00002; gnomAD exomes 0.00002; ESP Exome Variant Server 0.00008.
gnomAD v4.1: 25 of 1,613,864 alleles (0.0015%); highest among the groups gnomAD compares: Middle Eastern, 0.017%; no homozygotes.

Submissions (3):

Labcorp Genetics (formerly Invitae), Labcorp
Classification: Likely benign for Metachromatic leukodystrophy. Last evaluated: 2025-12-19. Review status: criteria provided, single submitter. Criteria: Invitae Variant Classification Sherloc (09022015). Collection method: clinical testing. Allele origin: germline.

PreventionGenetics, part of Exact Sciences
Classification: Likely benign for ARSA-related condition. Last evaluated: 2025-04-28. Review status: criteria provided, single submitter. Criteria: ACMG Guidelines, 2015. Collection method: clinical testing. Allele origin: germline.
Comment: This variant is classified as likely benign based on ACMG/AMP sequence variant interpretation guidelines (Richards et al. 2015 PMID: 25741868, with internal and published modifications).

Natera, Inc.
Classification: Likely benign for Metachromatic leukodystrophy. Last evaluated: 2020-01-24. Review status: no assertion criteria provided. Collection method: clinical testing. Allele origin: germline. Not counted in ClinVar's aggregate classification.

NM_000487.6(ARSA):c.828G>A (p.Thr276=)

Gene: ARSA (arylsulfatase A; minus strand). Cytogenetic location: 22q13.33.
Variant type: single nucleotide variant.
Coding change: c.828G>A on transcript NM_000487.6 (MANE Select); coding-DNA position 828, G replaced by A.
Protein change: p.Thr276=; no amino-acid change (threonine 276 retained).
Molecular consequence: synonymous variant.
Genome position (GRCh38, 1-based): chr22:50,626,617, C>T on the plus strand (G>A on the coding strand, the complement: ARSA is on the minus strand). VCF-style: chr22-50626617-C-T. GRCh37 (hg19) VCF-style: chr22-51065045-C-T.
Other names: c.828G>A, p.Thr276= (NM_001085425.3, NM_001085426.3, NM_001085427.3); c.570G>A, p.Thr190= (NM_001085428.3, NM_001362782.2).
Identifiers: ClinVar variation 760803 (VCV000760803.14), dbSNP rs370585019, ClinGen allele CA10324915.